The following is an entry in ClinVar:

ClinVar aggregate classification (germline): Benign. Review status: criteria provided, multiple submitters, no conflicts (2 of 4 stars). 2 submissions from 2 submitters: Benign (2). Last evaluated 2018-06-16.

Allele frequency attached by ClinVar (database versions not stated): gnomAD 0.06465; TOPMed 0.06472; ESP Exome Variant Server 0.06505; 1000 Genomes Project 30x 0.08901; 1000 Genomes Project 0.09006.
gnomAD v4.1: 88,543 of 1,527,170 alleles (5.8%); highest among the groups gnomAD compares: South Asian, 18%; 3,662 homozygotes.

Submissions (2):

GeneDx
Classification: Benign. Last evaluated: 2018-06-16. Review status: criteria provided, single submitter. Criteria: GeneDx Variant Classification (06012015). Collection method: clinical testing. Allele origin: germline. Affected: yes.
Comment: This variant is considered likely benign or benign based on one or more of the following criteria: it is a conservative change, it occurs at a poorly conserved position in the protein, it is predicted to be benign by multiple in silico algorithms, and/or has population frequency not consistent with disease.

Breakthrough Genomics
Classification: Benign. Review status: criteria provided, single submitter. Criteria: ACMG Guidelines, 2015. Collection method: not provided. Allele origin: germline. Inheritance: Autosomal recessive inheritance. Affected: yes.

NM_021100.5(NFS1):c.1311-56T>G

Gene: NFS1 (NFS1 cysteine desulfurase; minus strand). Cytogenetic location: 20q11.22.
Variant type: single nucleotide variant.
Coding change: c.1311-56T>G on transcript NM_021100.5 (MANE Select); 56 bases into the intron before coding-DNA position 1311, T replaced by G.
Molecular consequence: intron variant.
Genome position (GRCh38, 1-based): chr20:35,669,741, A>C on the plus strand (T>G on the coding strand, the complement: NFS1 is on the minus strand). VCF-style: chr20-35669741-A-C. GRCh37 (hg19) VCF-style: chr20-34257663-A-C.
Other names: c.1158-56T>G (NM_001198989.2).
Identifiers: ClinVar variation 676162 (VCV000676162.2), dbSNP rs6060546, ClinGen allele CA15970444.